The following is an entry in ClinVar:

NM_001844.5(COL2A1):c.3400G>A (p.Gly1134Ser)

Gene: COL2A1 (collagen type II alpha 1 chain; minus strand). Cytogenetic location: 12q13.11.
Variant type: single nucleotide variant.
Coding change: c.3400G>A on transcript NM_001844.5 (MANE Select); coding-DNA position 3400, G replaced by A.
Protein change: p.Gly1134Ser; replaces glycine 1134 with serine.
Molecular consequence: missense variant.
Genome position (GRCh38, 1-based): chr12:47,976,847, C>T on the plus strand (G>A on the coding strand, the complement: COL2A1 is on the minus strand). VCF-style: chr12-47976847-C-T. GRCh37 (hg19) VCF-style: chr12-48370630-C-T.
Other names: c.3193G>A, p.Gly1065Ser (NM_033150.3); short protein forms G1134S, G1065S.
Identifiers: ClinVar variation 1465997 (VCV001465997.8), dbSNP rs2136518300, ClinGen allele CA384538793.

ClinVar aggregate classification (germline): Likely pathogenic (1 of 4 stars; one submission).

Submission:

Labcorp Genetics (formerly Invitae), Labcorp
Classification: Likely pathogenic. Last evaluated: 2022-07-18. Review status: criteria provided, single submitter. Criteria: Invitae Variant Classification Sherloc (09022015). Collection method: clinical testing. Allele origin: germline.
Comment: This sequence change replaces glycine, which is neutral and non-polar, with serine, which is neutral and polar, at codon 1134 of the COL2A1 protein (p.Gly1134Ser). In summary, the currently available evidence indicates that the variant is pathogenic, but additional data are needed to prove that conclusively. Therefore, this variant has been classified as Likely Pathogenic. This variant disrupts the triple helix domain of COL2A1. Glycine residues within the Gly-Xaa-Yaa repeats of the triple helix domain are required for the structure and stability of fibrillar collagens (PMID: 7695699, 8218237, 19344236). In COL2A1, variants affecting these glycine residues are significantly enriched in individuals with disease (PMID: 9016532, 17078022) compared to the general population (ExAC). Advanced modeling of protein sequence and biophysical properties (such as structural, functional, and spatial information, amino acid conservation, physicochemical variation, residue mobility, and thermodynamic stability) performed at Invitae indicates that this missense variant is expected to disrupt COL2A1 protein function. ClinVar contains an entry for this variant (Variation ID: 1465997). This variant has not been reported in the literature in individuals affected with COL2A1-related conditions. This variant is not present in population databases (gnomAD no frequency).

Literature cited by the submitters: PubMed 7695699; PubMed 8218237; PubMed 19344236; PubMed 9016532; PubMed 17078022.